The following is an entry in ClinVar:

ClinVar aggregate classification (germline): Uncertain significance (1 of 4 stars; one submission).

Conditions:
Developmental and epileptic encephalopathy. Identifiers: MedGen C5779964, MONDO:0100620.

Allele frequency attached by ClinVar (database versions not stated): gnomAD exomes below 0.00001.
gnomAD v4.1: 1 of 1,613,770 alleles (0.000062%); highest among the groups gnomAD compares: Non-Finnish European, 0.000085%; no homozygotes.

Submission:

Labcorp Genetics (formerly Invitae), Labcorp
Classification: Uncertain significance for Early-infantile DEE. Last evaluated: 2022-05-04. Review status: criteria provided, single submitter. Criteria: Invitae Variant Classification Sherloc (09022015). Collection method: clinical testing. Allele origin: germline.
Comment: This sequence change replaces tyrosine, which is neutral and polar, with cysteine, which is neutral and slightly polar, at codon 78 of the ST3GAL3 protein (p.Tyr78Cys). This variant is not present in population databases (gnomAD no frequency). This variant has not been reported in the literature in individuals affected with ST3GAL3-related conditions. Algorithms developed to predict the effect of missense changes on protein structure and function are either unavailable or do not agree on the potential impact of this missense change (SIFT: "Deleterious"; PolyPhen-2: "Probably Damaging"; Align-GVGD: "Class C0"). In summary, the available evidence is currently insufficient to determine the role of this variant in disease. Therefore, it has been classified as a Variant of Uncertain Significance.

NM_006279.5(ST3GAL3):c.233A>G (p.Tyr78Cys)

Gene: ST3GAL3 (ST3 beta-galactoside alpha-2,3-sialyltransferase 3; plus strand). Cytogenetic location: 1p34.1.
Variant type: single nucleotide variant.
Coding change: c.233A>G on transcript NM_006279.5 (MANE Select); coding-DNA position 233, A replaced by G.
Protein change: p.Tyr78Cys; replaces tyrosine 78 with cysteine.
Molecular consequence: missense variant. On other transcripts: 5 prime UTR variant (1), non-coding transcript variant (7), intron variant (2).
Genome position (GRCh38, 1-based): chr1:43,838,242, A>G. VCF-style: chr1-43838242-A-G. GRCh37 (hg19) VCF-style: chr1-44303914-A-G.
Other names: c.233A>G, p.Tyr78Cys (NM_001270459.2, NM_001350620.2, NM_174966.4 and 1 more transcripts); c.185A>G, p.Tyr62Cys (NM_001270461.3, NM_001270464.3, NM_001270466.3 and 3 more transcripts); c.230A>G, p.Tyr77Cys (NM_001270463.3, NM_001270465.3); c.278A>G, p.Tyr93Cys (NM_001350619.2, NM_174964.4, NM_174965.4); c.-221A>G (NM_001350621.2); c.395A>G, p.Tyr132Cys (NM_001363573.2, NM_174968.5); c.440A>G, p.Tyr147Cys (NM_174963.5); c.347A>G, p.Tyr116Cys (NM_174971.5); and 2 more; short protein forms Y77C, Y78C, Y132C, Y116C, Y147C, Y62C, Y93C.
Identifiers: ClinVar variation 2132185 (VCV002132185.1), dbSNP rs2522897113, ClinGen allele CA340266429.